The following is an entry in ClinVar:

ClinVar aggregate classification (germline): Conflicting classifications of pathogenicity. Review status: criteria provided, conflicting classifications (1 of 4 stars). 3 submissions from 3 submitters: Likely pathogenic (2); Uncertain significance (1). Last evaluated 2026-09-01.

Conditions:
Myocardial infarction, susceptibility to. Identifiers: MedGen C1832662, MONDO:0012039, OMIM 608446.
Congenital factor VII deficiency. Identifiers: Orphanet 327, MedGen C0272320, MONDO:0009211, OMIM 227500.
F7-related disorder. Also called: F7-related condition.

gnomAD v4.1: 5 of 1,613,040 alleles (0.00031%); highest among the groups gnomAD compares: Admixed American, 0.0017%; no homozygotes.

Submissions (3):

PreventionGenetics, part of Exact Sciences
Classification: Uncertain significance for F7-related condition. Last evaluated: 2026-09-01. Review status: criteria provided, single submitter. Criteria: ACMG Guidelines, 2015. Collection method: clinical testing. Allele origin: germline.
Comment: The F7 c.1109G>A variant is predicted to result in the amino acid substitution p.Cys370Tyr. This variant has been reported in a factor VII deficiency cohort without individual patient details (Smith et al. 2016. Haemophilia. 22:124.). This variant is reported in 0.0029% of alleles in individuals of Latino descent in gnomAD. An alternate nucleotide change at the same genomic position (c.1109G>T, p.Cys370Phe) has been reported in individuals with factor VII deficiency (Human Gene Mutation Database). Although we suspect that this variant may be pathogenic, at this time, the clinical significance of this variant is uncertain due to the absence of conclusive functional and genetic evidence.

Mayo Clinic Laboratories, Mayo Clinic
Classification: Likely pathogenic. Last evaluated: 2025-04-05. Review status: criteria provided, single submitter. Criteria: ACMG Guidelines, 2015. Collection method: clinical testing. Allele origin: germline. Observed: 1 variant allele.
Comment: PP3_moderate, PP5, PM1, PM2_supporting, PM5

Fulgent Genetics
Classification: Likely pathogenic for Congenital factor VII deficiency; Myocardial infarction, susceptibility to. Last evaluated: 2024-03-04. Review status: criteria provided, single submitter. Criteria: ACMG Guidelines, 2015. Collection method: clinical testing. Allele origin: germline.

NM_019616.4(F7):c.1043G>A (p.Cys348Tyr)

Gene: F7 (coagulation factor VII; plus strand). Cytogenetic location: 13q34.
Variant type: single nucleotide variant.
Coding change: c.1043G>A on transcript NM_019616.4 (MANE Select); coding-DNA position 1043, G replaced by A.
Protein change: p.Cys348Tyr; replaces cysteine 348 with tyrosine.
Molecular consequence: missense variant. On other transcripts: non-coding transcript variant (1).
Genome position (GRCh38, 1-based): chr13:113,118,716, G>A. VCF-style: chr13-113118716-G-A. GRCh37 (hg19) VCF-style: chr13-113773030-G-A.
Other names: p.Cys370Tyr; c.1109G>A, p.Cys370Tyr (NM_000131.5); c.857G>A, p.Cys286Tyr (NM_001267554.2); short protein forms C286Y, C370Y, C348Y.
Identifiers: ClinVar variation 3575769 (VCV003575769.3).